The following is an entry in ClinVar:

ClinVar aggregate classification (germline): Likely benign (1 of 4 stars; one submission).

Conditions:
PKD1L1-related disorder. Also called: PKD1L1-related condition.

gnomAD v4.1: 31 of 1,613,882 alleles (0.0019%); highest among the groups gnomAD compares: Admixed American, 0.0033%; no homozygotes.

Submission:

PreventionGenetics, part of Exact Sciences
Classification: Likely benign for PKD1L1-related condition. Last evaluated: 2024-11-16. Review status: criteria provided, single submitter. Criteria: ACMG Guidelines, 2015. Collection method: clinical testing. Allele origin: germline.
Comment: This variant is classified as likely benign based on ACMG/AMP sequence variant interpretation guidelines (Richards et al. 2015 PMID: 25741868, with internal and published modifications).

NM_138295.5(PKD1L1):c.3834G>A (p.Pro1278=)

Gene: PKD1L1 (polycystin 1 like 1, transient receptor potential channel interacting; minus strand). Cytogenetic location: 7p12.3.
Variant type: single nucleotide variant.
Coding change: c.3834G>A on transcript NM_138295.5 (MANE Select); coding-DNA position 3834, G replaced by A.
Protein change: p.Pro1278=; no amino-acid change (proline 1278 retained).
Molecular consequence: synonymous variant.
Genome position (GRCh38, 1-based): chr7:47,873,961, C>T on the plus strand (G>A on the coding strand, the complement: PKD1L1 is on the minus strand). VCF-style: chr7-47873961-C-T. GRCh37 (hg19) VCF-style: chr7-47913559-C-T.
Identifiers: ClinVar variation 4990737 (VCV004990737.1).